The following is an entry in ClinVar:

ClinVar aggregate classification (germline): Uncertain significance (1 of 4 stars; one submission).

Allele frequency attached by ClinVar (database versions not stated): TOPMed below 0.00001; gnomAD 0.00001; gnomAD exomes 0.00004 and 0.00011; ExAC 0.00005.

Submission:

Labcorp Genetics (formerly Invitae), Labcorp
Classification: Uncertain significance. Last evaluated: 2022-06-27. Review status: criteria provided, single submitter. Criteria: Invitae Variant Classification Sherloc (09022015). Collection method: clinical testing. Allele origin: germline.
Comment: Algorithms developed to predict the effect of missense changes on protein structure and function (SIFT, PolyPhen-2, Align-GVGD) all suggest that this variant is likely to be tolerated. In summary, the available evidence is currently insufficient to determine the role of this variant in disease. Therefore, it has been classified as a Variant of Uncertain Significance. Experimental studies are conflicting or provide insufficient evidence to determine the effect of this variant on GH1 function (PMID: 19458138). This variant is also known as p.Asp116Glu. This missense change has been observed in individual(s) with autosomal recessive growth hormone deficiency (PMID: 19458138). In at least one individual the data is consistent with being in trans (on the opposite chromosome) from a pathogenic variant. This variant is present in population databases (rs768585995, gnomAD 0.06%). This sequence change replaces aspartic acid, which is acidic and polar, with glutamic acid, which is acidic and polar, at codon 142 of the GH1 protein (p.Asp142Glu).

Literature cited by the submitters: PubMed 19458138.

NM_000515.5(GH1):c.426C>G (p.Asp142Glu)

Genes: GH-LCR (growth hormone locus control region; plus strand), GH1 (growth hormone 1; minus strand). Cytogenetic location: 17q23.3.
Variant type: single nucleotide variant.
Coding change: c.426C>G on transcript NM_000515.5 (MANE Select); coding-DNA position 426, C replaced by G.
Protein change: p.Asp142Glu; replaces aspartic acid 142 with glutamic acid.
Molecular consequence: missense variant.
Genome position (GRCh38, 1-based): chr17:63,917,790, G>C on the plus strand (C>G on the coding strand, the complement: GH1 is on the minus strand). VCF-style: chr17-63917790-G-C. GRCh37 (hg19) VCF-style: chr17-61995150-G-C.
Other names: c.381C>G, p.Asp127Glu (NM_022559.4); c.306C>G, p.Asp102Glu (NM_022560.4); short protein forms D127E, D102E, D142E.
Identifiers: ClinVar variation 1372380 (VCV001372380.6), dbSNP rs768585995, ClinGen allele CA8708193.
Genomic context (GRCh38, chr17:63,917,790, plus strand): 5'-AGGATTGGGGACCCCTGGCGCCACCCTCACCCCCATCAGCGTTTGGATGCCTTCCTCTAG[G>C]TCCTTTAGGAGGTCATAGACGTTGCTGTCAGAGGCGCCGTACACCAGGCTGTTGGCGAAG-3'
Protein context (NP_000506.2, residues 132-152): SDSNVYDLLK[Asp142Glu]LEEGIQTLMG